The following is an entry in ClinVar:

NM_002471.4(MYH6):c.4103C>T (p.Ser1368Leu)

Gene: MYH6 (myosin heavy chain 6; minus strand). Cytogenetic location: 14q11.2.
Variant type: single nucleotide variant.
Coding change: c.4103C>T on transcript NM_002471.4 (MANE Select); coding-DNA position 4103, C replaced by T.
Protein change: p.Ser1368Leu; replaces serine 1368 with leucine.
Molecular consequence: missense variant.
Genome position (GRCh38, 1-based): chr14:23,388,931, G>A on the plus strand (C>T on the coding strand, the complement: MYH6 is on the minus strand). VCF-style: chr14-23388931-G-A. GRCh37 (hg19) VCF-style: chr14-23858140-G-A.
Other names: c.4103C>T (NM_002471.3); short protein forms S1368L.
Identifiers: ClinVar variation 1038723 (VCV001038723.10), dbSNP rs778374207, ClinGen allele CA7114927.

ClinVar aggregate classification (germline): Uncertain significance. Review status: criteria provided, multiple submitters, no conflicts (2 of 4 stars). 2 submissions from 2 submitters: Uncertain significance (2). Last evaluated 2023-03-24.

Conditions:
Cardiovascular phenotype. Identifiers: MedGen CN230736.
Hypertrophic cardiomyopathy 14. Identifiers: MedGen C2750467, MONDO:0013197, OMIM 613251.

Allele frequency attached by ClinVar (database versions not stated): gnomAD exomes below 0.00001; ExAC 0.00001; TOPMed 0.00001.

Submissions (2):

Ambry Genetics
Classification: Uncertain significance for Cardiovascular phenotype. Last evaluated: 2023-03-24. Review status: criteria provided, single submitter. Criteria: Ambry Variant Classification Scheme 2023. Collection method: clinical testing. Allele origin: germline.
Comment: The p.S1368L variant (also known as c.4103C>T), located in coding exon 27 of the MYH6 gene, results from a C to T substitution at nucleotide position 4103. The serine at codon 1368 is replaced by leucine, an amino acid with dissimilar properties. This amino acid position is conserved. In addition, the in silico prediction for this alteration is inconclusive. Since supporting evidence is limited at this time, the clinical significance of this alteration remains unclear.

Labcorp Genetics (formerly Invitae), Labcorp
Classification: Uncertain significance for Hypertrophic cardiomyopathy 14. Last evaluated: 2020-10-28. Review status: criteria provided, single submitter. Criteria: Invitae Variant Classification Sherloc (09022015). Collection method: clinical testing. Allele origin: germline.
Comment: Algorithms developed to predict the effect of missense changes on protein structure and function (SIFT, PolyPhen-2, Align-GVGD) all suggest that this variant is likely to be tolerated, but these predictions have not been confirmed by published functional studies and their clinical significance is uncertain. In summary, the available evidence is currently insufficient to determine the role of this variant in disease. Therefore, it has been classified as a Variant of Uncertain Significance. This variant has not been reported in the literature in individuals with MYH6-related conditions. This variant is present in population databases (rs778374207, ExAC 0.001%). This sequence change replaces serine with leucine at codon 1368 of the MYH6 protein (p.Ser1368Leu). The serine residue is weakly conserved and there is a large physicochemical difference between serine and leucine.